The following is an entry in ClinVar:

NM_001018005.2(TPM1):c.62G>T (p.Arg21Leu)

Gene: TPM1 (tropomyosin 1; plus strand). Cytogenetic location: 15q22.2.
Variant type: single nucleotide variant.
Coding change: c.62G>T on transcript NM_001018005.2 (MANE Select); coding-DNA position 62, G replaced by T.
Protein change: p.Arg21Leu; replaces arginine 21 with leucine.
Molecular consequence: missense variant. On other transcripts: non-coding transcript variant (11).
Genome position (GRCh38, 1-based): chr15:63,042,891, G>T. VCF-style: chr15-63042891-G-T. GRCh37 (hg19) VCF-style: chr15-63335090-G-T.
Other names: p.R21L:CGA>CTA; c.62G>T, p.Arg21Leu (NM_000366.6, NM_001018004.2, NM_001018006.2 and 24 more transcripts); c.62G>T (NM_001018020.1); short protein forms R21L.
Identifiers: ClinVar variation 181678 (VCV000181678.48), dbSNP rs730881151, ClinGen allele CA019198.

ClinVar aggregate classification (germline): Conflicting classifications of pathogenicity. Review status: criteria provided, conflicting classifications (1 of 4 stars). 21 submissions from 21 submitters: Likely pathogenic (14); Uncertain significance (7). Last evaluated 2026-09-11.

Conditions:
TPM1-related disorder. Also called: TPM1-related condition.
Cardiovascular phenotype. Identifiers: MedGen CN230736.
Dilated cardiomyopathy 1Y (CMD1Y). Identifiers: Orphanet 154, Orphanet 54260, MedGen C2678476, MONDO:0012744, OMIM 611878.
Hypertrophic cardiomyopathy 3. Also called: TPM1-Related Familial Hypertrophic Cardiomyopathy. Identifiers: MedGen C1861863, MONDO:0007267, OMIM 115196.
Cardiomyopathy (CMYO). Also called: Cardiomyopathies. Identifiers: Orphanet 167848, MedGen C0878544, MONDO:0004994, HP:0001638. Inheritance: Various modes of inheritance.
Primary familial hypertrophic cardiomyopathy (HCM). Identifiers: Orphanet 99739, MedGen C0949658, MeSH D024741, MONDO:0024573. Inheritance: Various modes of inheritance.
Hypertrophic cardiomyopathy. Also called: HYPERTROPHIC MYOCARDIOPATHY. Identifiers: Orphanet 217569, MedGen C0007194, MeSH D002312, MONDO:0005045, HP:0001639.

Allele frequency attached by ClinVar (database versions not stated): gnomAD exomes 0.00002 and 0.00001; ExAC 0.00001; TOPMed 0.00006.
gnomAD v4.1: 16 of 1,612,874 alleles (0.00099%); highest among the groups gnomAD compares: Admixed American, 0.0083%; no homozygotes.

Submissions 1 to 7 of 21:

GeneDx
Classification: Likely pathogenic. Last evaluated: 2026-09-11. Review status: criteria provided, single submitter. Criteria: GeneDx Variant Classification Process June 2021. Collection method: clinical testing. Allele origin: germline.
Comment: Identified in an individual who suffered sudden death at rest and harbored additional cardiogenetic variants (PMID: 33919104); Not observed at significant frequency in large population cohorts (gnomAD); In silico analysis supports that this missense variant has a deleterious effect on protein structure/function; This variant is associated with the following publications: (PMID: 29105867, 28138913, 28797094, 34426522, 33642254, 31983221, 30681346, 37498360, 37652022, 33919104, 28771489, 33495597, 38874371, 32731933, 32882290, 21239446, 42658137, 33495596)

Ambry Genetics
Classification: Likely pathogenic for Cardiovascular phenotype. Last evaluated: 2026-07-14. Review status: criteria provided, single submitter. Criteria: Ambry Variant Classification Scheme 2023. Collection method: clinical testing. Allele origin: germline.
Comment: The p.R21L variant (also known as c.62G>T), located in coding exon 1 of the TPM1 gene, results from a G to T substitution at nucleotide position 62. The arginine at codon 21 is replaced by leucine, an amino acid with dissimilar properties. This variant was reported in individual(s) with features consistent with TPM1-related cardiomyopathy (Alejandra Restrepo-Cordoba M et al. J Cardiovasc Transl Res, 2017 Feb;10:35-46; Mademont-Soler I et al. PLoS One. 2017 Aug;12(8):e0181465; Mendes de Almeida R et al. PLoS ONE, 2017 Aug;12:e0182946; Iglesias M et al. J Clin Med. 2021 Apr;10(9); Ambry internal data). In one study, this variant was detected in several hypertrophic cardiomyopathy (HCM) cases from Spain and Portugal, was reported to segregate with disease, and was considered associated with late-onset, incomplete penetrance, and milder clinical course; however, details were not available and several cases had co-occurring variants (Lamounier Junior A. Rev Esp Cardiol (Engl Ed). 2021 Feb;). This missense variant is located in a region that has a low rate of benign missense variation (Lek M et al. Nature. 2016 Aug 18;536(7616):285-91; DECIPHER: Database of Chromosomal Imbalance and Phenotype in Humans using Ensembl Resources. Firth H.V. et al. 2009. Am.J.Hum.Genet. 84, 524-533 (DOI)). This amino acid position is highly conserved in available vertebrate species. In addition, this alteration is predicted to be deleterious by in silico analysis. Based on the majority of available evidence to date, this variant is likely to be pathogenic; however, this variant may present with reduced penetrance and expressivity.

Dasa
Classification: Likely pathogenic. Last evaluated: 2026-04-23. Review status: criteria provided, single submitter. Criteria: DASA Assertion Criteria. Collection method: clinical testing. Allele origin: germline.
Comment: NM_001018005.2(TPM1):c.62G>T (p.Arg21Leu) is a missense variant that results in the substitution of arginine with leucine. This variant has been reported in individuals with TPM1-related disorders (PMID: 33642254). Segregation data support an association with disease in the reported family/families (PMID: 33642254). Also, this variant is rare in population databases. Computational evidence supports a deleterious effect. Based on the currently available evidence, this variant is classified as likely pathogenic.

CeGaT Center for Human Genetics Tuebingen
Classification: Likely pathogenic. Last evaluated: 2026-04-01. Review status: criteria provided, single submitter. Criteria: CeGaT Center For Human Genetics Tuebingen Variant Classification Criteria Version 2. Collection method: clinical testing. Allele origin: germline. Affected: yes. Observed: 1 variant allele.
Comment: TPM1: PS4:Moderate, PM5:Supporting, PP1, PP2, PP3

Labcorp Genetics (formerly Invitae), Labcorp
Classification: Likely pathogenic for Hypertrophic cardiomyopathy. Last evaluated: 2026-01-28. Review status: criteria provided, single submitter. Criteria: Invitae Variant Classification Sherloc (09022015). Collection method: clinical testing. Allele origin: germline.
Comment: This sequence change replaces arginine, which is basic and polar, with leucine, which is neutral and non-polar, at codon 21 of the TPM1 protein (p.Arg21Leu). The frequency data for this variant in the population databases is considered unreliable, as metrics indicate poor data quality at this position in the gnomAD database. This missense change has been observed in individuals with hypertrophic cardiomyopathy (PMID: 28138913, 33642254, 37652022; internal data). It has also been observed to segregate with disease in related individuals. ClinVar contains an entry for this variant (Variation ID: 181678). An algorithm developed to predict the effect of missense changes on protein structure and function (PolyPhen-2) suggests that this variant is likely to be disruptive. In summary, the currently available evidence indicates that the variant is pathogenic, but additional data are needed to prove that conclusively. Therefore, this variant has been classified as Likely Pathogenic.

Women's Health and Genetics/Laboratory Corporation of America, LabCorp
Classification: Likely pathogenic for Primary familial hypertrophic cardiomyopathy. Last evaluated: 2025-12-29. Review status: criteria provided, single submitter. Criteria: LabCorp Variant Classification Summary - May 2015. Collection method: clinical testing. Allele origin: germline.
Comment: Variant summary: TPM1 c.62G>T (p.Arg21Leu) results in a non-conservative amino acid change in the encoded protein sequence. Algorithms developed to predict the effect of missense changes on protein structure and function all suggest that this variant is likely to be disruptive. The variant allele was found at a frequency of 2e-05 in 246812 control chromosomes. c.62G>T has been reported in the literature in the heterozygous or homozygous (rarely) state in multiple individuals affected with Hypertrophic Cardiomyopathy (example, Lamounier Junior_2022) and has been suggested to be a founder variant in Portugual and Spain. These data indicate that the variant is very likely to be associated with disease, and the authors of that study found a primarily late-onset, moderate penetrance presentation among the clinically evaluated families (Lamounier Junior_2022). To our knowledge, no experimental evidence demonstrating an impact on protein function has been reported. The following publication has been ascertained in the context of this evaluation (PMID: 33642254). ClinVar contains an entry for this variant (Variation ID: 181678). Based on the evidence outlined above, the variant was classified as likely pathogenic.

PreventionGenetics, part of Exact Sciences
Classification: Likely pathogenic for TPM1-related condition. Last evaluated: 2025-11-13. Review status: criteria provided, single submitter. Criteria: ACMG Guidelines, 2015. Collection method: clinical testing. Allele origin: germline.
Comment: The TPM1 c.62G>T variant is predicted to result in the amino acid substitution p.Arg21Leu. This variant has been reported in the heterozygous and homozygous states in many individuals with hypertrophic cardiomyopathy, and has been described to segregate with disorders in multiple families with reduced penetrance (Table S2, Restrepo-Cordoba et al. 2017. PubMed ID: 28138913; Mendes de Almeida et al. 2017. PubMed ID: 28797094; Lamounier Junior et al. 2021. PubMed ID: 33642254; Iglesias et al. 2021. PubMed ID: 33919104; Table S8, McGurk et al. 2023. PubMed ID: 37652022). The homozygotes in general showed a more severe phenotype than the heterozygous carriers, although the homozygotes still showed late onset disease manifestations (Lamounier Junior et al. 2021. PubMed ID: 33642254). This variant has also been reported in the reference populations or found to co-occur with additional variants associated with cardiomyopathies (Table S6, Lamounier Junior et al. 2021. PubMed ID: 33642254; Table S8, McGurk et al. 2023. PubMed ID: 37652022). This variant is reported in 0.015% of alleles in individuals of Latino descent in gnomAD, and has been described to be prevalent in individuals from the Iberian peninsula (Lamounier Junior et al. 2021. PubMed ID: 33642254). This variant has conflicting interpretations in the ClinVar database ranging from uncertain to likely pathogenic (Variation ID: 181678). Taken together, this variant is interpreted as likely pathogenic with reduced penetrance.